The following is an entry in ClinVar:

ClinVar aggregate classification (germline): Uncertain significance. Review status: criteria provided, multiple submitters, no conflicts (2 of 4 stars). 2 submissions from 2 submitters: Uncertain significance (2). Last evaluated 2023-01-01.

Conditions:
Congenital myasthenic syndrome 5. Identifiers: Orphanet 590, MedGen C1864233, MONDO:0011281, OMIM 603034.
Synaptic congenital myasthenic syndromes. Identifiers: Orphanet 98915, MedGen C5681640.

Submissions (2):

Neuromuscular Department, Shariati Hospital, Tehran University of Medical Sciences
Classification: Uncertain significance for Synaptic congenital myasthenic syndromes. Last evaluated: 2023-01-01. Review status: criteria provided, single submitter. Criteria: ACMG Guidelines, 2015. Collection method: clinical testing. Allele origin: germline. Affected: yes. Observed: 1 variant allele.

Kariminejad - Najmabadi Pathology & Genetics Center
Classification: Uncertain significance for Congenital myasthenic syndrome 5. Last evaluated: 2022-12-19. Review status: criteria provided, single submitter. Criteria: ACMG Guidelines, 2015. Collection method: clinical testing. Allele origin: germline. Inheritance: Autosomal recessive inheritance. Affected: yes.
Comment: PM2-PP3

NM_005677.4(COLQ):c.1132G>C (p.Gly378Arg)

Gene: COLQ (collagen like tail subunit of asymmetric acetylcholinesterase; minus strand). Cytogenetic location: 3p25.1.
Variant type: single nucleotide variant.
Coding change: c.1132G>C on transcript NM_005677.4 (MANE Select); coding-DNA position 1132, G replaced by C.
Protein change: p.Gly378Arg; replaces glycine 378 with arginine.
Molecular consequence: missense variant.
Genome position (GRCh38, 1-based): chr3:15,455,962, C>G on the plus strand (G>C on the coding strand, the complement: COLQ is on the minus strand). VCF-style: chr3-15455962-C-G. GRCh37 (hg19) VCF-style: chr3-15497469-C-G.
Other names: c.1102G>C, p.Gly368Arg (NM_080538.2); c.1030G>C, p.Gly344Arg (NM_080539.4); short protein forms G344R, G368R, G378R.
Identifiers: ClinVar variation 2576517 (VCV002576517.3), dbSNP rs2470820221, ClinGen allele CA351596334.